The following is an entry in ClinVar:

ClinVar aggregate classification (germline): Pathogenic (1 of 4 stars; one submission).

Conditions:
Hereditary breast ovarian cancer syndrome. Also called: Breast and ovarian cancer; BRCA1- and BRCA2-Associated Hereditary Breast and Ovarian Cancer; Hereditary breast and ovarian cancer; Hereditary breast and ovarian cancer syndrome (HBOC); Hereditary breast and ovarian cancer syndrome; Hereditary breast and/or ovarian cancer syndrome. Identifiers: Orphanet 145, MedGen C0677776, MeSH D061325, MONDO:0003582. Disease mechanism: loss of function.

Submission:

Labcorp Genetics (formerly Invitae), Labcorp
Classification: Pathogenic for Hereditary breast ovarian cancer syndrome. Last evaluated: 2022-08-05. Review status: criteria provided, single submitter. Criteria: Invitae Variant Classification Sherloc (09022015). Collection method: clinical testing. Allele origin: germline.
Comment: For these reasons, this variant has been classified as Pathogenic. This variant has not been reported in the literature in individuals affected with BRCA2-related conditions. This variant is not present in population databases (gnomAD no frequency). This sequence change creates a premature translational stop signal (p.Gly490Glufs*19) in the BRCA2 gene. It is expected to result in an absent or disrupted protein product. Loss-of-function variants in BRCA2 are known to be pathogenic (PMID: 20104584).

Literature cited by the submitters: PubMed 20104584.

NM_000059.4(BRCA2):c.1467del (p.Gly490fs)

Gene: BRCA2 (BRCA2 DNA repair associated; plus strand). Cytogenetic location: 13q13.1.
Variant type: Deletion.
Coding change: c.1467del on transcript NM_000059.4 (MANE Select); coding-DNA position 1467, one base deleted (T; older notation c.1467delT).
Protein change: p.Gly490fs; shifts the reading frame from glycine 490.
Molecular consequence: frameshift variant.
Genome position (GRCh38, 1-based): chr13:32,332,945, T deleted. VCF-style (leftmost placement, unchanged base first): chr13-32332944-CT-C. GRCh37 (hg19) VCF-style: chr13-32907081-CT-C.
Other names: c.1467delT, p.Gly490Glufs (NM_001406719.1, NM_001406720.1, NM_001406721.1); short protein forms G490fs.
Identifiers: ClinVar variation 2021912 (VCV002021912.4), dbSNP rs2548520340, ClinGen allele CA2580087010.